The following is an entry in ClinVar:

ClinVar aggregate classification (germline): Uncertain significance (1 of 4 stars; one submission).

Conditions:
46,XY sex reversal 9 (SRXY9). Also called: 46,XY SEX REVERSAL, ZFPM2-RELATED. Identifiers: Orphanet 251510, MedGen C4015129, MONDO:0014480, OMIM 616067.

Submission:

Labcorp Genetics (formerly Invitae), Labcorp
Classification: Uncertain significance for 46,XY sex reversal 9. Last evaluated: 2023-11-03. Review status: criteria provided, single submitter. Criteria: Invitae Variant Classification Sherloc (09022015). Collection method: clinical testing. Allele origin: germline.
Comment: This variant, c.898_900dup, results in the insertion of 1 amino acid(s) of the ZFPM2 protein (p.Phe300dup), but otherwise preserves the integrity of the reading frame. This variant is present in population databases (rs774999938, gnomAD 0.05%). This variant has not been reported in the literature in individuals affected with ZFPM2-related conditions. In summary, the available evidence is currently insufficient to determine the role of this variant in disease. Therefore, it has been classified as a Variant of Uncertain Significance.

NM_012082.4(ZFPM2):c.898_900dup (p.Phe300_Pro301insPhe)

Genes: ZFPM2 (zinc finger protein, FOG family member 2; plus strand), ZFPM2-AS1 (ZFPM2 antisense RNA 1; minus strand). Cytogenetic location: 8q23.1.
Variant type: Duplication.
Coding change: c.898_900dup on transcript NM_012082.4 (MANE Select); coding-DNA positions 898 to 900, 3 bases duplicated (TTC; older notation c.898_900dupTTC).
Protein change: p.Phe300_Pro301insPhe.
Molecular consequence: inframe insertion.
Genome position (GRCh38, 1-based): chr8:105,798,882-105,798,884, TTC duplicated; duplicating any 3 consecutive bases within chr8:105,798,881-105,798,884 gives the same sequence; the c. name uses the placement nearest the transcript's 3' end. VCF-style (leftmost placement, unchanged base first): chr8-105798880-C-CCTT. GRCh37 (hg19) VCF-style: chr8-106811108-C-CCTT.
Other names: c.739_741dup, p.Phe247_Pro248insPhe (NM_001362836.2); c.502_504dup, p.Phe168_Pro169insPhe (NM_001362837.2).
Identifiers: ClinVar variation 2896039 (VCV002896039.3), dbSNP rs774999938, ClinGen allele CA4839654.